The following is an entry in ClinVar:

ClinVar aggregate classification (germline): Uncertain significance (1 of 4 stars; one submission).

gnomAD v4.1: 17 of 1,614,054 alleles (0.0011%); highest among the groups gnomAD compares: Non-Finnish European, 0.0013%; no homozygotes.

Submission:

Labcorp Genetics (formerly Invitae), Labcorp
Classification: Uncertain significance. Last evaluated: 2024-11-27. Review status: criteria provided, single submitter. Criteria: Invitae Variant Classification Sherloc (09022015). Collection method: clinical testing. Allele origin: germline.
Comment: This sequence change replaces proline, which is neutral and non-polar, with leucine, which is neutral and non-polar, at codon 2065 of the DNAH9 protein (p.Pro2065Leu). This variant is present in population databases (no rsID available, gnomAD 0.0009%). This variant has not been reported in the literature in individuals affected with DNAH9-related conditions. Invitae Evidence Modeling of protein sequence and biophysical properties (such as structural, functional, and spatial information, amino acid conservation, physicochemical variation, residue mobility, and thermodynamic stability) indicates that this missense variant is not expected to disrupt DNAH9 protein function with a negative predictive value of 80%. In summary, the available evidence is currently insufficient to determine the role of this variant in disease. Therefore, it has been classified as a Variant of Uncertain Significance.

NM_001372.4(DNAH9):c.6194C>T (p.Pro2065Leu)

Gene: DNAH9 (dynein axonemal heavy chain 9; plus strand). Cytogenetic location: 17p12.
Variant type: single nucleotide variant.
Coding change: c.6194C>T on transcript NM_001372.4 (MANE Select); coding-DNA position 6194, C replaced by T.
Protein change: p.Pro2065Leu; replaces proline 2065 with leucine.
Molecular consequence: missense variant.
Genome position (GRCh38, 1-based): chr17:11,744,879, C>T. VCF-style: chr17-11744879-C-T. GRCh37 (hg19) VCF-style: chr17-11648196-C-T.
Other names: short protein forms P2065L.
Identifiers: ClinVar variation 3617325 (VCV003617325.1).